The following is an entry in ClinVar:

ClinVar aggregate classification (germline): Likely pathogenic (1 of 4 stars; one submission).

Conditions:
BSN-related disorder. Also called: BSN-related condition.

Submission:

Greenwood Genetic Center Diagnostic Laboratories, Greenwood Genetic Center
Classification: Likely pathogenic for BSN-related disorder. Last evaluated: 2025-10-28. Review status: criteria provided, single submitter. Criteria: ACMG Guidelines, 2015. Collection method: clinical testing. Allele origin: germline. Affected: yes.
Comment: PVS1, PM2

NM_003458.4(BSN):c.5326C>T (p.Gln1776Ter)

Gene: BSN (bassoon presynaptic cytomatrix protein; plus strand). Cytogenetic location: 3p21.31.
Variant type: single nucleotide variant.
Coding change: c.5326C>T on transcript NM_003458.4 (MANE Select); coding-DNA position 5326, C replaced by T.
Protein change: p.Gln1776Ter; replaces glutamine 1776 with a stop codon.
Molecular consequence: nonsense.
Genome position (GRCh38, 1-based): chr3:49,654,882, C>T. VCF-style: chr3-49654882-C-T. GRCh37 (hg19) VCF-style: chr3-49692315-C-T.
Other names: short protein forms Q1776*.
Identifiers: ClinVar variation 4845607 (VCV004845607.1).
Genomic context (GRCh38, chr3:49,654,882, plus strand): 5'-CAGAGCCGCCTTGACTTTGGCCAGGGTGGGGGTAGCCCTGTGTGCCTGGCCCAGGTCAAA[C>T]AAGTAGAGCAGGCTGTCCAGACAGCCCCATACCGAAGTGGGCCCCGGGGAAGACCCAGGG-3'